The following is an entry in ClinVar:

ClinVar aggregate classification (germline): Benign. Review status: criteria provided, multiple submitters, no conflicts (2 of 4 stars). 9 submissions from 9 submitters: Benign (8). 1 of the submissions does not count toward it. Last evaluated 2026-05-08.

Conditions:
Combined pituitary hormone deficiencies, genetic form. Also called: Pituitary hormone deficiency, combined. Identifiers: Orphanet 95494, MedGen C4273747, MONDO:0013099.
Non-acquired combined pituitary hormone deficiency with spine abnormalities (CPHD3). Also called: Winkelman Bethge Pfeiffer syndrome; WBP syndrome; Combined pituitary hormone deficiency type 3. Identifiers: Orphanet 231720, MedGen C3489787, MONDO:0009091, OMIM 221750.

Allele frequency attached by ClinVar (database versions not stated): 1000 Genomes Project 30x 0.15615; ESP Exome Variant Server 0.16127; 1000 Genomes Project 0.16134; TOPMed 0.21953; gnomAD 0.23265; ExAC 0.25256.
gnomAD v4.1: 466,423 of 1,531,660 alleles (30%); highest among the groups gnomAD compares: Non-Finnish European, 34%; 75,354 homozygotes.

Submissions (9):

Women's Health and Genetics/Laboratory Corporation of America, LabCorp
Classification: Benign. Last evaluated: 2026-05-08. Review status: criteria provided, single submitter. Criteria: LabCorp Variant Classification Summary - May 2015. Collection method: clinical testing. Allele origin: germline.

Labcorp Genetics (formerly Invitae), Labcorp
Classification: Benign. Last evaluated: 2026-02-04. Review status: criteria provided, single submitter. Criteria: Invitae Variant Classification Sherloc (09022015). Collection method: clinical testing. Allele origin: germline.

Blueprint Genetics
Classification: Benign. Last evaluated: 2024-11-27. Review status: criteria provided, single submitter. Criteria: ACMG Guidelines, 2015. Collection method: clinical testing. Allele origin: germline.

Genome-Nilou Lab
Classification: Benign for Non-acquired combined pituitary hormone deficiency with spine abnormalities. Last evaluated: 2021-07-10. Review status: criteria provided, single submitter. Criteria: ACMG Guidelines, 2015. Collection method: clinical testing. Allele origin: germline. Affected: no.

Illumina Laboratory Services, Illumina
Classification: Benign for Non-acquired combined pituitary hormone deficiency with spine abnormalities. Last evaluated: 2018-01-13. Review status: criteria provided, single submitter. Criteria: ICSL Variant Classification Criteria 13 December 2019. Collection method: clinical testing. Allele origin: germline.
Comment: This variant was observed in the ICSL laboratory as part of a predisposition screen in an ostensibly healthy population. It had not been previously curated by ICSL or reported in the Human Gene Mutation Database (HGMD: prior to June 1st, 2018), and was therefore a candidate for classification through an automated scoring system. Utilizing variant allele frequency, disease prevalence and penetrance estimates, and inheritance mode, an automated score was calculated to assess if this variant is too frequent to cause the disease. Based on the score and internal cut-off values, a variant classified as benign is not then subjected to further curation. The score for this variant resulted in a classification of benign for this disease.

GeneDx
Classification: Benign. Last evaluated: 2017-05-09. Review status: criteria provided, single submitter. Criteria: GeneDx Variant Classification (06012015). Collection method: clinical testing. Allele origin: germline. Affected: yes.
Comment: This variant is considered likely benign or benign based on one or more of the following criteria: it is a conservative change, it occurs at a poorly conserved position in the protein, it is predicted to be benign by multiple in silico algorithms, and/or has population frequency not consistent with disease.

Eurofins Ntd Llc (ga)
Classification: Benign. Last evaluated: 2014-06-10. Review status: criteria provided, single submitter. Criteria: EGL Classification Definitions 2015. Collection method: clinical testing. Allele origin: germline. Observed: 3 variant alleles, 2 heterozygotes, 1 homozygote.

Breakthrough Genomics
Classification: Benign. Review status: criteria provided, single submitter. Criteria: ACMG Guidelines, 2015. Collection method: not provided. Allele origin: germline. Inheritance: Autosomal recessive inheritance. Affected: yes.

Natera, Inc.
Classification: Benign for Combined pituitary hormone deficiency. Last evaluated: 2020-09-16. Review status: no assertion criteria provided. Collection method: clinical testing. Allele origin: germline. Not counted in ClinVar's aggregate classification.

NM_178138.6(LHX3):c.79+1975G>A

Gene: LHX3 (LIM homeobox 3; minus strand). Cytogenetic location: 9q34.3.
Variant type: single nucleotide variant.
Coding change: c.79+1975G>A on transcript NM_178138.6 (MANE Select); 1975 bases into the intron after coding-DNA position 79, G replaced by A.
Molecular consequence: intron variant. On other transcripts: synonymous variant (1).
Genome position (GRCh38, 1-based): chr9:136,202,959, C>T on the plus strand (G>A on the coding strand, the complement: LHX3 is on the minus strand). VCF-style: chr9-136202959-C-T. GRCh37 (hg19) VCF-style: chr9-139094805-C-T.
Other names: c.81G>A, p.Ala27= (NM_014564.5).
Identifiers: ClinVar variation 193372 (VCV000193372.23), dbSNP rs2274116, ClinGen allele CA200529.